The following is an entry in ClinVar:

NM_201384.3(PLEC):c.13573T>C (p.Ser4525Pro)

Gene: PLEC (plectin; minus strand). Cytogenetic location: 8q24.3.
Variant type: single nucleotide variant.
Coding change: c.13573T>C on transcript NM_201384.3 (MANE Select); coding-DNA position 13573, T replaced by C.
Protein change: p.Ser4525Pro; replaces serine 4525 with proline.
Molecular consequence: missense variant.
Genome position (GRCh38, 1-based): chr8:143,916,248, A>G on the plus strand (T>C on the coding strand, the complement: PLEC is on the minus strand). VCF-style: chr8-143916248-A-G. GRCh37 (hg19) VCF-style: chr8-144990416-A-G.
Other names: c.13654T>C, p.Ser4552Pro (NM_000445.5); c.13531T>C, p.Ser4511Pro (NM_201378.4); c.13507T>C, p.Ser4503Pro (NM_201379.3); c.13984T>C, p.Ser4662Pro (NM_201380.4); c.13477T>C, p.Ser4493Pro (NM_201381.3); c.13573T>C, p.Ser4525Pro (NM_201382.4); c.13585T>C, p.Ser4529Pro (NM_201383.3); short protein forms S4511P, S4529P, S4662P, S4493P, S4525P, S4552P, S4503P.
Identifiers: ClinVar variation 941444 (VCV000941444.10), dbSNP rs1554668402, ClinGen allele CA372473653.
Genomic context (GRCh38, chr8:143,916,248, plus strand): 5'-CAGACTCAGGGCCCCCCAGGGAGGCCGAGGACCCCGAGGCGTAGCGGCGGCCGTAGCCCG[A>G]GGAGGAGTAGGAGGATGAAGAGAAGGTCATGGAGAAGCCGGAGCCGGTGGCGTCAAAGCT-3'
Protein context (NP_958786.1, residues 4515-4535): MTFSSSSYSS[Ser4525Pro]GYGRRYASGS

ClinVar aggregate classification (germline): Uncertain significance (1 of 4 stars; one submission).

Conditions:
Epidermolysis bullosa simplex 5B, with muscular dystrophy (EBS5B). Also called: EPIDERMOLYSIS BULLOSA SIMPLEX AND LIMB-GIRDLE MUSCULAR DYSTROPHY; Epidermolysis bullosa simplex with muscular dystrophy. Identifiers: Orphanet 257, MedGen C2931072, MONDO:0009181, OMIM 226670.
Epidermolysis bullosa simplex, Ogna type (EBS5A). Also called: Pidermolysis bullosa simplex 5A, Ogna type; EPIDERMOLYSIS BULLOSA SIMPLEX 5A, OGNA TYPE. Identifiers: Orphanet 79401, MedGen C0432317, MONDO:0007555, OMIM 131950.
Epidermolysis bullosa simplex 5C, with pyloric atresia (EBS5C). Also called: Epidermolysis bullosa simplex with pyloric atresia; PLEC-Related Epidermolysis Bullosa with Pyloric Atresia; PLEC1-Related Epidermolysis Bullosa with Pyloric Atresia. Identifiers: Orphanet 158684, MedGen C2677349, MONDO:0012807, OMIM 612138.
Epidermolysis bullosa simplex with nail dystrophy (EBS5D). Identifiers: MedGen C4225309, MONDO:0014661, OMIM 616487.
Autosomal recessive limb-girdle muscular dystrophy type 2Q (LGMDR17). Also called: MUSCULAR DYSTROPHY, LIMB-GIRDLE, AUTOSOMAL RECESSIVE 17. Identifiers: Orphanet 254361, MedGen C3150989, MONDO:0013390, OMIM 613723.

Allele frequency attached by ClinVar (database versions not stated): gnomAD exomes 0.00001.
gnomAD v4.1: 6 of 1,546,586 alleles (0.00039%); highest among the groups gnomAD compares: South Asian, 0.0071%; no homozygotes.

Submission:

Labcorp Genetics (formerly Invitae), Labcorp
Classification: Uncertain significance for Autosomal recessive limb-girdle muscular dystrophy type 2Q; Epidermolysis bullosa simplex, Ogna type; Epidermolysis bullosa simplex with nail dystrophy; Epidermolysis bullosa simplex 5C, with pyloric atresia; Epidermolysis bullosa simplex 5B, with muscular dystrophy. Last evaluated: 2019-10-17. Review status: criteria provided, single submitter. Criteria: Invitae Variant Classification Sherloc (09022015). Collection method: clinical testing. Allele origin: germline.
Comment: In summary, the available evidence is currently insufficient to determine the role of this variant in disease. Therefore, it has been classified as a Variant of Uncertain Significance. This sequence change replaces serine with proline at codon 4552 of the PLEC protein (p.Ser4552Pro). The serine residue is moderately conserved and there is a moderate physicochemical difference between serine and proline. The frequency data for this variant in the population databases is considered unreliable, as metrics indicate insufficient coverage at this position in the ExAC database. This variant has not been reported in the literature in individuals with PLEC-related conditions. Algorithms developed to predict the effect of missense changes on protein structure and function are either unavailable or do not agree on the potential impact of this missense change (SIFT: "Tolerated"; PolyPhen-2: "Not Available"; Align-GVGD: "Class C0").